The following is an entry in ClinVar:

t(3;8)(q24.31;q24.13)

Gene: FOXP1 (forkhead box P1; minus strand). Cytogenetic location: 3p13.
Variant type: Translocation.
Identifiers: ClinVar variation 4853801 (VCV004853801.1).

ClinVar aggregate classification (somatic clinical impact): Tier II - Potential (1 of 4 stars; one submission).

Conditions:
Chronic myelomonocytic leukemia (CMML). Identifiers: Orphanet 98823, MedGen C0023480, MONDO:0020311, HP:0012325.

Submission:

Clinical Genetics Laboratory, Hai Phong University of Medicine and Pharmacy
Classification: Tier II - Potential for Chronic myelomonocytic leukemia. Assertion type: diagnostic. Clinical significance: supports diagnosis. Last evaluated: 2026-05-02. Review status: criteria provided, single submitter. Criteria: AMP/ASCO/CAP Guidelines, 2017. Collection method: research. Allele origin: somatic. Affected: yes.
Comment: Classification based on AMP/ASCO/CAP 2017 somatic variant interpretation guidelines (PMID:27993330). Evidence for Tier II - Potential (diagnostic: supports diagnosis for Chronic Myelomonocytic Leukemia, MONDO:0020311): - Level C (Clinical evidence - limited): FOXP1 structural rearrangements have been reported in hematologic malignancies. Aberrant FOXP1 expression is associated with myeloid neoplasms including CMML (PMID:33785864; PMID:32873636). - Level C (Biological evidence): The translocation t(3;8)(q24.31;q24.13) disrupts the FOXP1 locus, which encodes a forkhead transcription factor involved in myeloid differentiation and survival. Transcript ablation with HIGH predicted functional impact supports disruption of normal FOXP1 function relevant to leukemogenesis. Classified as Tier II - Potential (not Tier I) due to absence of current professional society guideline endorsement for this specific variant in CMML. Detected by whole-genome sequencing; structural variant identified using Manta SV caller.

Literature cited by the submitters: PubMed 33785864; PubMed 32873636.